The following is an entry in ClinVar:

NM_001099922.3(ALG13):c.805A>G (p.Met269Val)

Gene: ALG13 (ALG13 UDP-N-acetylglucosaminyltransferase subunit; plus strand). Cytogenetic location: Xq23.
Variant type: single nucleotide variant.
Coding change: c.805A>G on transcript NM_001099922.3 (MANE Select); coding-DNA position 805, A replaced by G.
Protein change: p.Met269Val; replaces methionine 269 with valine.
Molecular consequence: missense variant. On other transcripts: non-coding transcript variant (1).
Genome position (GRCh38, 1-based): chrX:111,709,019, A>G. VCF-style: chrX-111709019-A-G. GRCh37 (hg19) VCF-style: chrX-110952247-A-G.
Other names: c.493A>G, p.Met165Val (NM_001257230.2, NM_001257234.2, NM_001257237.2 and 1 more transcripts); c.571A>G, p.Met191Val (NM_001257231.2); c.805A>G, p.Met269Val (NM_001324292.2); short protein forms M191V, M165V, M269V.
Identifiers: ClinVar variation 2961626 (VCV002961626.3), dbSNP rs2525581314, ClinGen allele CA414250134.

ClinVar aggregate classification (germline): Uncertain significance (1 of 4 stars; one submission).

Conditions:
Developmental and epileptic encephalopathy, 36 (DEE36). Also called: ALG13-CDG; Congenital disorder of glycosylation, type Is; Epileptic encephalopathy, early infantile, 36. Identifiers: Orphanet 324422, MedGen C4317295, MONDO:0010472, OMIM 300884.

Submission:

Labcorp Genetics (formerly Invitae), Labcorp
Classification: Uncertain significance for Developmental and epileptic encephalopathy, 36. Last evaluated: 2024-10-30. Review status: criteria provided, single submitter. Criteria: Invitae Variant Classification Sherloc (09022015). Collection method: clinical testing. Allele origin: germline.
Comment: This sequence change replaces methionine, which is neutral and non-polar, with valine, which is neutral and non-polar, at codon 269 of the ALG13 protein (p.Met269Val). This variant is not present in population databases (gnomAD no frequency). This variant has not been reported in the literature in individuals affected with ALG13-related conditions. ClinVar contains an entry for this variant (Variation ID: 2961626). Invitae Evidence Modeling of protein sequence and biophysical properties (such as structural, functional, and spatial information, amino acid conservation, physicochemical variation, residue mobility, and thermodynamic stability) has been performed for this missense variant. However, the output from this modeling did not meet the statistical confidence thresholds required to predict the impact of this variant on ALG13 protein function. In summary, the available evidence is currently insufficient to determine the role of this variant in disease. Therefore, it has been classified as a Variant of Uncertain Significance.